The following is an entry in ClinVar:

NM_001282597.3(CTNNA2):c.798A>C (p.Glu266Asp)

Gene: CTNNA2 (catenin alpha 2; plus strand). Cytogenetic location: 2p12.
Variant type: single nucleotide variant.
Coding change: c.798A>C on transcript NM_001282597.3 (MANE Select); coding-DNA position 798, A replaced by C.
Protein change: p.Glu266Asp; replaces glutamic acid 266 with aspartic acid.
Molecular consequence: missense variant.
Genome position (GRCh38, 1-based): chr2:79,874,288, A>C. VCF-style: chr2-79874288-A-C. GRCh37 (hg19) VCF-style: chr2-80101414-A-C.
Other names: c.798A>C, p.Glu266Asp (NM_001164883.2, NM_001399737.1, NM_004389.4); c.900A>C, p.Glu300Asp (NM_001282598.2); c.798A>C (NM_004389.3); short protein forms E266D, E300D.
Identifiers: ClinVar variation 3037052 (VCV003037052.3), dbSNP rs745959248, ClinGen allele CA1735130.
Genomic context (GRCh38, chr2:79,874,288, plus strand): 5'-AGTCCAGGAGGCCATCGCCGGCATCTCCAATGCTGCTCAAGCTACCTCGCCCACTGACGA[A>C]GCCAAGGGCCACACGGGCATCGGCGAGCTGGCTGCGGCTCTTAATGAGTTTGACGTAAGC-3'
Protein context (NP_001269526.1, residues 256-276): NAAQATSPTD[Glu266Asp]AKGHTGIGEL

ClinVar aggregate classification (germline): Uncertain significance. Review status: criteria provided, single submitter (1 of 4 stars). 2 submissions from 2 submitters: Uncertain significance (1). 1 of the submissions does not count toward it. Last evaluated 2025-06-06.

Conditions:
Inborn genetic diseases. Identifiers: MedGen C0950123, MeSH D030342.
CTNNA2-related disorder. Also called: CTNNA2-related condition.

Allele frequency attached by ClinVar (database versions not stated): gnomAD exomes 0.00002; TOPMed 0.00002; ExAC 0.00001; gnomAD 0.00003.
gnomAD v4.1: 34 of 1,614,104 alleles (0.0021%); highest among the groups gnomAD compares: Middle Eastern, 0.28%; no homozygotes.

Submissions (2):

Ambry Genetics
Classification: Uncertain significance for Inborn genetic diseases. Last evaluated: 2025-06-06. Review status: criteria provided, single submitter. Criteria: Ambry Variant Classification Scheme 2023. Collection method: clinical testing. Allele origin: germline.

PreventionGenetics, part of Exact Sciences
Classification: Uncertain significance for CTNNA2-related condition. Last evaluated: 2023-10-27. Review status: no assertion criteria provided. Collection method: clinical testing. Allele origin: germline. Not counted in ClinVar's aggregate classification.
Comment: The CTNNA2 c.798A>C variant is predicted to result in the amino acid substitution p.Glu266Asp. To our knowledge, this variant has not been reported in the literature. This variant is reported in 0.0029% of alleles in individuals of Latino descent in gnomAD. At this time, the clinical significance of this variant is uncertain due to the absence of conclusive functional and genetic evidence.